The following is an entry in ClinVar:

NM_018714.3(COG1):c.2682C>T (p.Asn894=)

Gene: COG1 (component of oligomeric golgi complex 1; plus strand). Cytogenetic location: 17q25.1.
Variant type: single nucleotide variant.
Coding change: c.2682C>T on transcript NM_018714.3 (MANE Select); coding-DNA position 2682, C replaced by T.
Protein change: p.Asn894=; no amino-acid change (asparagine 894 retained).
Molecular consequence: synonymous variant.
Genome position (GRCh38, 1-based): chr17:73,206,770, C>T. VCF-style: chr17-73206770-C-T. GRCh37 (hg19) VCF-style: chr17-71202909-C-T.
Identifiers: ClinVar variation 784702 (VCV000784702.40), dbSNP rs781686684, ClinGen allele CA8740575.

ClinVar aggregate classification (germline): Conflicting classifications of pathogenicity. Review status: criteria provided, conflicting classifications (1 of 4 stars). 5 submissions from 5 submitters: Uncertain significance (1); Likely benign (3). 1 of the submissions does not count toward it. Last evaluated 2024-12-31.

Conditions:
COG1-related disorder. Also called: COG1-related condition.
COG1 congenital disorder of glycosylation (CDG2G). Also called: CONGENITAL DISORDER OF GLYCOSYLATION, TYPE IIg; CDG IIg; CDGII/COG1 CEREBROCOSTOMANDIBULAR-LIKE SYNDROME. Identifiers: Orphanet 263508, MedGen C2931011, MONDO:0012637, OMIM 611209.

Allele frequency attached by ClinVar (database versions not stated): gnomAD 0.00001; gnomAD exomes 0.00001; ExAC 0.00002; TOPMed 0.00002.
gnomAD v4.1: 36 of 1,613,360 alleles (0.0022%); highest among the groups gnomAD compares: East Asian, 0.016%; no homozygotes.

Submissions (5):

Labcorp Genetics (formerly Invitae), Labcorp
Classification: Likely benign for COG1 congenital disorder of glycosylation. Last evaluated: 2024-12-31. Review status: criteria provided, single submitter. Criteria: Invitae Variant Classification Sherloc (09022015). Collection method: clinical testing. Allele origin: germline.

Blueprint Genetics
Classification: Likely benign. Last evaluated: 2024-10-03. Review status: criteria provided, single submitter. Criteria: ACMG Guidelines, 2015. Collection method: clinical testing. Allele origin: germline.

CeGaT Center for Human Genetics Tuebingen
Classification: Likely benign. Last evaluated: 2023-08-01. Review status: criteria provided, single submitter. Criteria: CeGaT Center For Human Genetics Tuebingen Variant Classification Criteria Version 2. Collection method: clinical testing. Allele origin: germline. Affected: yes. Observed: 1 variant allele.
Comment: COG1: BP4, BP7

Illumina Laboratory Services, Illumina
Classification: Uncertain significance for COG1 congenital disorder of glycosylation. Last evaluated: 2018-01-13. Review status: criteria provided, single submitter. Criteria: ICSL Variant Classification Criteria 13 December 2019. Collection method: clinical testing. Allele origin: germline.

PreventionGenetics, part of Exact Sciences
Classification: Likely benign for COG1-related condition. Last evaluated: 2019-08-14. Review status: no assertion criteria provided. Collection method: clinical testing. Allele origin: germline. Not counted in ClinVar's aggregate classification.
Comment: This variant is classified as likely benign based on ACMG/AMP sequence variant interpretation guidelines (Richards et al. 2015 PMID: 25741868, with internal and published modifications).